The following is an entry in ClinVar:

ClinVar aggregate classification (germline): Pathogenic (1 of 4 stars; one submission).

Submission:

Labcorp Genetics (formerly Invitae), Labcorp
Classification: Pathogenic. Last evaluated: 2023-10-13. Review status: criteria provided, single submitter. Criteria: Invitae Variant Classification Sherloc (09022015). Collection method: clinical testing. Allele origin: germline.
Comment: This variant is a gross deletion of the genomic region encompassing exon(s) 9 of the PRDM5 gene. This deletion is out-of-frame, and is expected to create a premature termination codon and result in an absent or disrupted protein product. Loss-of-function variants in PRDM5 are known to be pathogenic (PMID: 21664999, 26395458). This variant has not been reported in the literature in individuals affected with PRDM5-related conditions. For these reasons, this variant has been classified as Pathogenic.

Literature cited by the submitters: PubMed 21664999; PubMed 26395458.

NC_000004.11:g.(?_121720796)_(121720920_?)del

Gene: PRDM5 (PR/SET domain 5; minus strand). Cytogenetic location: 4q27.
Variant type: Deletion.
Identifiers: ClinVar variation 2426484 (VCV002426484.4).